The following is an entry in ClinVar:

NM_001044385.3(TMEM237):c.1051G>A (p.Glu351Lys)

Gene: TMEM237 (transmembrane protein 237; minus strand). Cytogenetic location: 2q33.1.
Variant type: single nucleotide variant.
Coding change: c.1051G>A on transcript NM_001044385.3 (MANE Select); coding-DNA position 1051, G replaced by A.
Protein change: p.Glu351Lys; replaces glutamic acid 351 with lysine.
Molecular consequence: missense variant.
Genome position (GRCh38, 1-based): chr2:201,626,134, C>T on the plus strand (G>A on the coding strand, the complement: TMEM237 is on the minus strand). VCF-style: chr2-201626134-C-T. GRCh37 (hg19) VCF-style: chr2-202490857-C-T.
Other names: c.1027G>A, p.Glu343Lys (NM_152388.4); short protein forms E343K, E351K.
Identifiers: ClinVar variation 1906010 (VCV001906010.6), dbSNP rs752545565, ClinGen allele CA2056308.

ClinVar aggregate classification (germline): Uncertain significance. Review status: criteria provided, multiple submitters, no conflicts (2 of 4 stars). 2 submissions from 2 submitters: Uncertain significance (2). Last evaluated 2024-02-07.

Conditions:
Joubert syndrome 14 (JBTS14). Identifiers: MedGen C3280766, MONDO:0013745, OMIM 614424.

Allele frequency attached by ClinVar (database versions not stated): gnomAD exomes below 0.00001; gnomAD 0.00001; ExAC 0.00002.
gnomAD v4.1: 5 of 1,611,232 alleles (0.00031%); highest among the groups gnomAD compares: Admixed American, 0.005%; no homozygotes.

Submissions (2):

Fulgent Genetics
Classification: Uncertain significance for Joubert syndrome 14. Last evaluated: 2024-02-07. Review status: criteria provided, single submitter. Criteria: ACMG Guidelines, 2015. Collection method: clinical testing. Allele origin: germline.

Labcorp Genetics (formerly Invitae), Labcorp
Classification: Uncertain significance for Joubert syndrome 14. Last evaluated: 2022-07-13. Review status: criteria provided, single submitter. Criteria: Invitae Variant Classification Sherloc (09022015). Collection method: clinical testing. Allele origin: germline.
Comment: Algorithms developed to predict the effect of missense changes on protein structure and function are either unavailable or do not agree on the potential impact of this missense change (SIFT: "Deleterious"; PolyPhen-2: "Benign"; Align-GVGD: "Class C55"). This sequence change replaces glutamic acid, which is acidic and polar, with lysine, which is basic and polar, at codon 351 of the TMEM237 protein (p.Glu351Lys). This variant is present in population databases (rs752545565, gnomAD 0.003%). This variant has not been reported in the literature in individuals affected with TMEM237-related conditions. In summary, the available evidence is currently insufficient to determine the role of this variant in disease. Therefore, it has been classified as a Variant of Uncertain Significance.